The following is an entry in ClinVar:

NM_138694.4(PKHD1):c.7680_7681del (p.His2561fs)

Gene: PKHD1 (PKHD1 ciliary IPT domain containing fibrocystin/polyductin; minus strand). Cytogenetic location: 6p12.2.
Variant type: Deletion.
Coding change: c.7680_7681del on transcript NM_138694.4 (MANE Select); coding-DNA positions 7680 to 7681, 2 bases deleted (CC; older notation c.7680_7681delCC).
Protein change: p.His2561fs; shifts the reading frame from histidine 2561.
Molecular consequence: frameshift variant.
Genome position (GRCh38, 1-based): chr6:51,867,915-51,867,916, GG deleted on the plus strand (CC on the coding strand, the reverse complement: PKHD1 is on the minus strand). VCF-style (leftmost placement, unchanged base first): chr6-51867914-TGG-T. GRCh37 (hg19) VCF-style: chr6-51732712-TGG-T.
Other names: c.7680_7681del, p.His2561fs (NM_170724.3); short protein forms H2561fs.
Identifiers: ClinVar variation 1725869 (VCV001725869.2), dbSNP rs2535974279, ClinGen allele CA2580075466.

ClinVar aggregate classification (germline): Likely pathogenic (1 of 4 stars; one submission).

Conditions:
Polycystic kidney disease 4 (PKD4). Also called: POLYCYSTIC KIDNEY AND HEPATIC DISEASE 1; POLYCYSTIC KIDNEY DISEASE, INFANTILE, TYPE I; POLYCYSTIC KIDNEY DISEASE 4 WITH OR WITHOUT POLYCYSTIC LIVER DISEASE; PKD3; Autosomal Recessive Polycystic Kidney Disease – PKHD1. Identifiers: MedGen C4540575, MONDO:0033004, OMIM 263200.

Submission:

Myriad Genetics, Inc.
Classification: Likely pathogenic for Polycystic kidney disease 4. Last evaluated: 2022-04-04. Review status: criteria provided, single submitter. Criteria: Myriad Women's Health Autosomal Recessive and X-Linked Classification Criteria (2021). Collection method: clinical testing. Allele origin: unknown.
Comment: NM_138694.3(PKHD1):c.7680_7681delCC(H2561Wfs*22) is expected to be pathogenic in the context of autosomal recessive polycystic kidney disease, PKHD1-related. This variant is predicted to lead to an abnormal or absent protein product due to the creation of a premature termination codon in PKHD1, a gene where loss-of-function variants are known to be pathogenic. Please note: this variant was assessed in the context of healthy population screening.